The following is an entry in ClinVar:

ClinVar aggregate classification (germline): Uncertain significance (1 of 4 stars; one submission).

Conditions:
Majeed syndrome (MJDS). Also called: LPIN2-Related Majeed Syndrome; CHRONIC RECURRENT MULTIFOCAL OSTEOMYELITIS 1, WITH CONGENITAL DYSERYTHROPOIETIC ANEMIA, WITH OR WITHOUT NEUTROPHILIC DERMATOSIS. Identifiers: Orphanet 77297, MedGen C1864997, MONDO:0012316, OMIM 609628.

Submission:

Labcorp Genetics (formerly Invitae), Labcorp
Classification: Uncertain significance for Majeed syndrome. Last evaluated: 2022-08-21. Review status: criteria provided, single submitter. Criteria: Invitae Variant Classification Sherloc (09022015). Collection method: clinical testing. Allele origin: germline.
Comment: In summary, the available evidence is currently insufficient to determine the role of this variant in disease. Therefore, it has been classified as a Variant of Uncertain Significance. Algorithms developed to predict the effect of missense changes on protein structure and function are either unavailable or do not agree on the potential impact of this missense change (SIFT: "Deleterious"; PolyPhen-2: "Probably Damaging"; Align-GVGD: "Class C0"). This variant has not been reported in the literature in individuals affected with LPIN2-related conditions. This variant is not present in population databases (gnomAD no frequency). This sequence change replaces proline, which is neutral and non-polar, with threonine, which is neutral and polar, at codon 800 of the LPIN2 protein (p.Pro800Thr).

NM_001375808.2(LPIN2):c.2398C>A (p.Pro800Thr)

Gene: LPIN2 (lipin 2; minus strand). Cytogenetic location: 18p11.31.
Variant type: single nucleotide variant.
Coding change: c.2398C>A on transcript NM_001375808.2 (MANE Select); coding-DNA position 2398, C replaced by A.
Protein change: p.Pro800Thr; replaces proline 800 with threonine.
Molecular consequence: missense variant.
Genome position (GRCh38, 1-based): chr18:2,921,577, G>T on the plus strand (C>A on the coding strand, the complement: LPIN2 is on the minus strand). VCF-style: chr18-2921577-G-T. GRCh37 (hg19) VCF-style: chr18-2921575-G-T.
Other names: c.2398C>A, p.Pro800Thr (NM_001375809.1, NM_014646.2); short protein forms P800T.
Identifiers: ClinVar variation 1717478 (VCV001717478.6), dbSNP rs2510240905, ClinGen allele CA401695793.